The following is an entry in ClinVar:

ClinVar aggregate classification (germline): Uncertain significance (0 of 4 stars; one submission).

Conditions:
PLXNA4-related disorder. Also called: PLXNA4-related condition.

Allele frequency attached by ClinVar (database versions not stated): gnomAD exomes 0.00002; gnomAD 0.00003; ExAC 0.00004; TOPMed 0.00007; 1000 Genomes Project 30x 0.00016; 1000 Genomes Project 0.00020.
gnomAD v4.1: 37 of 1,614,144 alleles (0.0023%); highest among the groups gnomAD compares: East Asian, 0.027%; no homozygotes.

Submission:

PreventionGenetics, part of Exact Sciences
Classification: Uncertain significance for PLXNA4-related condition. Last evaluated: 2024-04-26. Review status: no assertion criteria provided. Collection method: clinical testing. Allele origin: germline.
Comment: The PLXNA4 c.4780G>A variant is predicted to result in the amino acid substitution p.Val1594Met. To our knowledge, this variant has not been reported in the literature. This variant is reported in 0.031% of alleles in individuals of East Asian descent in gnomAD. At this time, the clinical significance of this variant is uncertain due to the absence of conclusive functional and genetic evidence.

NM_020911.2(PLXNA4):c.4780G>A (p.Val1594Met)

Gene: PLXNA4 (plexin A4; minus strand). Cytogenetic location: 7q32.3.
Variant type: single nucleotide variant.
Coding change: c.4780G>A on transcript NM_020911.2 (MANE Select); coding-DNA position 4780, G replaced by A.
Protein change: p.Val1594Met; replaces valine 1594 with methionine.
Molecular consequence: missense variant.
Genome position (GRCh38, 1-based): chr7:132,147,984, C>T on the plus strand (G>A on the coding strand, the complement: PLXNA4 is on the minus strand). VCF-style: chr7-132147984-C-T. GRCh37 (hg19) VCF-style: chr7-131832743-C-T.
Other names: c.4780G>A, p.Val1594Met (NM_001393897.1); short protein forms V1594M.
Identifiers: ClinVar variation 2634533 (VCV002634533.3), dbSNP rs529500573, ClinGen allele CA4489089.